The following is an entry in ClinVar:

NM_001042492.3(NF1):c.7184T>G (p.Leu2395Ter)

Gene: NF1 (neurofibromin 1; plus strand). Cytogenetic location: 17q11.2.
Variant type: single nucleotide variant.
Coding change: c.7184T>G on transcript NM_001042492.3 (MANE Select); coding-DNA position 7184, T replaced by G.
Protein change: p.Leu2395Ter; replaces leucine 2395 with a stop codon.
Molecular consequence: nonsense.
Genome position (GRCh38, 1-based): chr17:31,343,130, T>G. VCF-style: chr17-31343130-T-G. GRCh37 (hg19) VCF-style: chr17-29670148-T-G.
Other names: c.7121T>G, p.Leu2374Ter (NM_000267.4); short protein forms L2374*, L2395*.
Identifiers: ClinVar variation 2027186 (VCV002027186.5), dbSNP rs2508780368, ClinGen allele CA399015779.

ClinVar aggregate classification (germline): Pathogenic/Likely pathogenic. Review status: criteria provided, multiple submitters, no conflicts (2 of 4 stars). 2 submissions from 2 submitters: Pathogenic (1); Likely pathogenic (1). Last evaluated 2025-02-25.

Conditions:
Neurofibromatosis, type 1 (NF1). Also called: NEUROFIBROMATOSIS, TYPE I, SOMATIC; Neurofibromatosis, type I; Peripheral type neurofibromatosis; VON RECKLINGHAUSEN DISEASE. Identifiers: Orphanet 636, MedGen C0027831, MONDO:0018975, OMIM 162200. Disease mechanism: loss of function.

Submissions (2):

OLLIN Analises Genomicas, OLLIN
Classification: Likely pathogenic for Neurofibromatosis, type 1. Last evaluated: 2025-02-25. Review status: criteria provided, single submitter. Criteria: ACMG Guidelines 2015 PMID 25741868. Collection method: clinical testing. Allele origin: germline. Affected: yes. Observed: 1 variant allele.
Comment: The nonsense variant (chr17:31343130T>G), located in exon 47 (of 57), is not reported in the gnomAD v4.1 non-UKB databases and was not found in the scientific literature. However, it is reported in the ClinVar database in a patient with neurofibromatosis (VCV002027186.4). This variant introduces a premature stop codon, resulting in a truncated protein or mRNA degradation via nonsense-mediated decay (NMD). According to currently available evidence, this variant has been classified as likely pathogenic (PVS1, PM2_P).

Labcorp Genetics (formerly Invitae), Labcorp
Classification: Pathogenic for Neurofibromatosis, type 1. Last evaluated: 2024-08-28. Review status: criteria provided, single submitter. Criteria: Invitae Variant Classification Sherloc (09022015). Collection method: clinical testing. Allele origin: germline.
Comment: This sequence change creates a premature translational stop signal (p.Leu2374*) in the NF1 gene. It is expected to result in an absent or disrupted protein product. Loss-of-function variants in NF1 are known to be pathogenic (PMID: 10712197, 23913538). This variant is not present in population databases (gnomAD no frequency). This variant has not been reported in the literature in individuals affected with NF1-related conditions. ClinVar contains an entry for this variant (Variation ID: 2027186). For these reasons, this variant has been classified as Pathogenic.

Literature cited by the submitters: PubMed 10712197 (cited by Labcorp Genetics (formerly Invitae), Labcorp); PubMed 23913538 (cited by Labcorp Genetics (formerly Invitae), Labcorp).